The following is an entry in ClinVar:

ClinVar aggregate classification (germline): Uncertain significance. Review status: criteria provided, multiple submitters, no conflicts (2 of 4 stars). 5 submissions from 5 submitters: Uncertain significance (4). 1 of the submissions does not count toward it. Last evaluated 2024-06-10.

Conditions:
RPGRIP1L-related disorder. Also called: RPGRIP1L-related disorders; RPGRIP1L-related condition. Identifiers: MedGen CN239416.
Meckel-Gruber syndrome. Also called: GRUBER SYNDROME; DYSENCEPHALIA SPLANCHNOCYSTICA; Dysencephalia splachnocystica. Identifiers: Orphanet 564, MedGen C0265215, MONDO:0018921.
Joubert syndrome. Also called: JOUBERT-BOLTSHAUSER SYNDROME; Familial aplasia of the vermis. Identifiers: Orphanet 475, MedGen C5979921, MONDO:0018772.

Allele frequency attached by ClinVar (database versions not stated): ExAC 0.00001; gnomAD 0.00001; gnomAD exomes 0.00001.
gnomAD v4.1: 12 of 1,504,456 alleles (0.0008%); highest among the groups gnomAD compares: Middle Eastern, 0.017%; no homozygotes.

Submissions (5):

Women's Health and Genetics/Laboratory Corporation of America, LabCorp
Classification: Uncertain significance. Last evaluated: 2024-06-10. Review status: criteria provided, single submitter. Criteria: LabCorp Variant Classification Summary - May 2015. Collection method: clinical testing. Allele origin: germline.
Comment: Variant summary: RPGRIP1L c.2963C>T (p.Thr988Ile) results in a non-conservative amino acid change in the encoded protein sequence. Four of five in-silico tools predict a benign effect of the variant on protein function. The variant allele was found at a frequency of 1.6e-05 in 250328 control chromosomes, predominantly at a frequency of 6.5e-05 within the South Asian subpopulation in the gnomAD database. The available data on variant occurrences in the general population are insufficient to allow any conclusion about variant significance. To our knowledge, no occurrence of c.2963C>T in individuals affected with Joubert Syndrome And Related Disorders and no experimental evidence demonstrating its impact on protein function have been reported. ClinVar contains an entry for this variant (Variation ID: 2137287). Based on the evidence outlined above, the variant was classified as uncertain significance.

Blueprint Genetics
Classification: Uncertain significance. Last evaluated: 2023-12-11. Review status: criteria provided, single submitter. Criteria: ACMG Guidelines, 2015. Collection method: clinical testing. Allele origin: germline.

GeneDx
Classification: Uncertain significance. Last evaluated: 2022-10-10. Review status: criteria provided, single submitter. Criteria: GeneDx Variant Classification Process June 2021. Collection method: clinical testing. Allele origin: germline. Affected: yes.
Comment: Not observed at significant frequency in large population cohorts (gnomAD); In silico analysis supports that this missense variant does not alter protein structure/function; Has not been previously published as pathogenic or benign to our knowledge

Labcorp Genetics (formerly Invitae), Labcorp
Classification: Uncertain significance for Joubert syndrome; Meckel-Gruber syndrome. Last evaluated: 2022-05-03. Review status: criteria provided, single submitter. Criteria: Invitae Variant Classification Sherloc (09022015). Collection method: clinical testing. Allele origin: germline.
Comment: This sequence change replaces threonine, which is neutral and polar, with isoleucine, which is neutral and non-polar, at codon 988 of the RPGRIP1L protein (p.Thr988Ile). This variant is present in population databases (rs775171959, gnomAD 0.007%). This variant has not been reported in the literature in individuals affected with RPGRIP1L-related conditions. Algorithms developed to predict the effect of missense changes on protein structure and function output the following: SIFT: "Tolerated"; PolyPhen-2: "Benign"; Align-GVGD: "Class C0". The isoleucine amino acid residue is found in multiple mammalian species, which suggests that this missense change does not adversely affect protein function. In summary, the available evidence is currently insufficient to determine the role of this variant in disease. Therefore, it has been classified as a Variant of Uncertain Significance.

PreventionGenetics, part of Exact Sciences
Classification: Uncertain significance for RPGRIP1L-related condition. Last evaluated: 2024-07-15. Review status: no assertion criteria provided. Collection method: clinical testing. Allele origin: germline. Not counted in ClinVar's aggregate classification.
Comment: The RPGRIP1L c.2963C>T variant is predicted to result in the amino acid substitution p.Thr988Ile. To our knowledge, this variant has not been reported in the literature. Of note, in at least one species an isoleucine (Ile) is present at the Thr988 residue. This variant is reported in 0.0065% of alleles in individuals of South Asian descent in gnomAD. At this time, the clinical significance of this variant is uncertain due to the absence of conclusive functional and genetic evidence.

NM_015272.5(RPGRIP1L):c.2963C>T (p.Thr988Ile)

Gene: RPGRIP1L (RPGRIP1 like; minus strand). Cytogenetic location: 16q12.2.
Variant type: single nucleotide variant.
Coding change: c.2963C>T on transcript NM_015272.5 (MANE Select); coding-DNA position 2963, C replaced by T.
Protein change: p.Thr988Ile; replaces threonine 988 with isoleucine.
Molecular consequence: missense variant. On other transcripts: intron variant (2).
Genome position (GRCh38, 1-based): chr16:53,638,407, G>A on the plus strand (C>T on the coding strand, the complement: RPGRIP1L is on the minus strand). VCF-style: chr16-53638407-G-A. GRCh37 (hg19) VCF-style: chr16-53672319-G-A.
Other names: c.2963C>T, p.Thr988Ile (NM_001308334.3); c.2959-553C>T (NM_001127897.4, NM_001330538.2); c.2963C>T (NM_015272.4, NM_015272.2); short protein forms T988I.
Identifiers: ClinVar variation 2137287 (VCV002137287.5), dbSNP rs775171959, ClinGen allele CA8057395.